The following is an entry in ClinVar:

ClinVar aggregate classification (germline): Uncertain significance (0 of 4 stars; one submission).

Conditions:
TBX5-related disorder. Also called: TBX5-related condition.

Submission:

PreventionGenetics, part of Exact Sciences
Classification: Uncertain significance for TBX5-related condition. Last evaluated: 2024-04-01. Review status: no assertion criteria provided. Collection method: clinical testing. Allele origin: germline.
Comment: The TBX5 c.546A>T variant is predicted to result in the amino acid substitution p.Arg182Ser. To our knowledge, this variant has not been reported in the literature or in a large population database, indicating this variant is rare. At this time, the clinical significance of this variant is uncertain due to the absence of conclusive functional and genetic evidence.

NM_181486.4(TBX5):c.546A>T (p.Arg182Ser)

Gene: TBX5 (T-box transcription factor 5; minus strand). Cytogenetic location: 12q24.21.
Variant type: single nucleotide variant.
Coding change: c.546A>T on transcript NM_181486.4 (MANE Select); coding-DNA position 546, A replaced by T.
Protein change: p.Arg182Ser; replaces arginine 182 with serine.
Molecular consequence: missense variant.
Genome position (GRCh38, 1-based): chr12:114,394,858, T>A on the plus strand (A>T on the coding strand, the complement: TBX5 is on the minus strand). VCF-style: chr12-114394858-T-A. GRCh37 (hg19) VCF-style: chr12-114832663-T-A.
Other names: c.546A>T, p.Arg182Ser (NM_000192.3); c.396A>T, p.Arg132Ser (NM_080717.4); short protein forms R132S, R182S.
Identifiers: ClinVar variation 3345012 (VCV003345012.1).
Genomic context (GRCh38, chr12:114,394,858, plus strand): 5'-GCAGAACGCTGTATTTTTTGAGCCAAATCCATTATTTTCATCCGCTTTCACGATGTGTAA[T>A]CTAGGCTGGTATTTGTGCATGGAATTTAGAATAATCTAAAAATAATAAAGAAAATGAGAT-3'
Protein context (NP_852259.1, residues 172-192): ILNSMHKYQP[Arg182Ser]LHIVKADENN